The following is an entry in ClinVar:

NM_007198.4(PLPBP):c.721C>T (p.Arg241Ter)

Gene: PLPBP (pyridoxal phosphate binding protein; plus strand). Cytogenetic location: 8p11.23.
Variant type: single nucleotide variant.
Coding change: c.721C>T on transcript NM_007198.4 (MANE Select); coding-DNA position 721, C replaced by T.
Protein change: p.Arg241Ter; replaces arginine 241 with a stop codon.
Molecular consequence: nonsense.
Genome position (GRCh38, 1-based): chr8:37,777,997, C>T. VCF-style: chr8-37777997-C-T. GRCh37 (hg19) VCF-style: chr8-37635515-C-T.
Other names: c.751C>T, p.Arg251Ter (NM_001349346.2); c.715C>T, p.Arg239Ter (NM_001349347.2); c.565C>T, p.Arg189Ter (NM_001349348.2); short protein forms R189*, R241*, R251*, R239*.
Identifiers: ClinVar variation 2186044 (VCV002186044.7), dbSNP rs942951418, ClinGen allele CA175041798.

ClinVar aggregate classification (germline): Conflicting classifications of pathogenicity. Review status: criteria provided, conflicting classifications (1 of 4 stars). 2 submissions from 2 submitters: Pathogenic (1); Uncertain significance (1). Last evaluated 2025-01-15.

Conditions:
Epilepsy, early-onset, vitamin B6-dependent. Also called: PLPBP Deficiency; EPILEPSY, EARLY-ONSET, 1, VITAMIN B6-DEPENDENT. Identifiers: MedGen C4310632, MONDO:0015005, OMIM 617290.

Allele frequency attached by ClinVar (database versions not stated): gnomAD exomes below 0.00001; TOPMed below 0.00001; gnomAD 0.00001.

Submissions (2):

Labcorp Genetics (formerly Invitae), Labcorp
Classification: Pathogenic. Last evaluated: 2025-01-15. Review status: criteria provided, single submitter. Criteria: Invitae Variant Classification Sherloc (09022015). Collection method: clinical testing. Allele origin: germline.
Comment: This sequence change creates a premature translational stop signal (p.Arg241*) in the PROSC gene. While this is not anticipated to result in nonsense mediated decay, it is expected to disrupt the last 35 amino acid(s) of the PROSC protein. This variant is present in population databases (no rsID available, gnomAD 0.06%). This variant has not been reported in the literature in individuals affected with PROSC-related conditions. ClinVar contains an entry for this variant (Variation ID: 2186044). This variant disrupts a region of the PROSC protein in which other variant(s) (p.Arg241Gln) have been determined to be pathogenic (PMID: 27912044, 28391250, 33728241). This suggests that this is a clinically significant region of the protein, and that variants that disrupt it are likely to be disease-causing. For these reasons, this variant has been classified as Pathogenic.

Revvity Omics, Revvity
Classification: Uncertain significance for Epilepsy, early-onset, vitamin B6-dependent. Last evaluated: 2024-03-15. Review status: criteria provided, single submitter. Criteria: ACMG Guidelines, 2015. Collection method: clinical testing. Allele origin: germline.

Literature cited by the submitters: PubMed 27912044 (cited by Labcorp Genetics (formerly Invitae), Labcorp); PubMed 28391250 (cited by Labcorp Genetics (formerly Invitae), Labcorp); PubMed 33728241 (cited by Labcorp Genetics (formerly Invitae), Labcorp).